The following is an entry in ClinVar:

ClinVar aggregate classification (germline): Uncertain significance (1 of 4 stars; one submission).

Conditions:
Fanconi anemia (FA). Also called: Fanconi's anemia. Identifiers: Orphanet 84, MedGen C0015625, MeSH D005199, MONDO:0019391.

gnomAD v4.1: 2 of 1,614,148 alleles (0.00012%); highest among the groups gnomAD compares: Non-Finnish European, 0.00017%; no homozygotes.

Submission:

Labcorp Genetics (formerly Invitae), Labcorp
Classification: Uncertain significance for Fanconi anemia. Last evaluated: 2018-12-23. Review status: criteria provided, single submitter. Criteria: Invitae Variant Classification Sherloc (09022015). Collection method: clinical testing. Allele origin: germline.
Comment: In summary, the available evidence is currently insufficient to determine the role of this variant in disease. Therefore, it has been classified as a Variant of Uncertain Significance. Algorithms developed to predict the effect of missense changes on protein structure and function are either unavailable or do not agree on the potential impact of this missense change (SIFT: "Deleterious"; PolyPhen-2: "Benign"; Align-GVGD: "Class C0"). This variant has not been reported in the literature in individuals with FANCC-related conditions. This variant is not present in population databases (ExAC no frequency). This sequence change replaces serine with arginine at codon 540 of the FANCC protein (p.Ser540Arg). The serine residue is moderately conserved and there is a moderate physicochemical difference between serine and arginine.

NM_000136.3(FANCC):c.1618A>C (p.Ser540Arg)

Genes: AOPEP (aminopeptidase O (putative); plus strand), FANCC (FA complementation group C; minus strand). Cytogenetic location: 9q22.32.
Variant type: single nucleotide variant.
Coding change: c.1618A>C on transcript NM_000136.3 (MANE Select); coding-DNA position 1618, A replaced by C.
Protein change: p.Ser540Arg; replaces serine 540 with arginine.
Molecular consequence: missense variant.
Genome position (GRCh38, 1-based): chr9:95,101,766, T>G on the plus strand (A>C on the coding strand, the complement: FANCC is on the minus strand). VCF-style: chr9-95101766-T-G. GRCh37 (hg19) VCF-style: chr9-97864048-T-G.
Other names: c.1618A>C, p.Ser540Arg (NM_001243743.2); short protein forms S540R.
Identifiers: ClinVar variation 657126 (VCV000657126.8), dbSNP rs1588008112, ClinGen allele CA374104437.
Genomic context (GRCh38, chr9:95,101,766, plus strand): 5'-TCTAGACTTGAGTTCGCAGCTCTTTAAGGAGCTCTCGGGCCAGTTTTTCTGATCTAGGGC[T>G]TTCAATGCCAAGACGATTCCATCTGTACAAGGTCTGGTCAAGAAAGCCAATGATCTCGTG-3'
Protein context (NP_000127.2, residues 530-550): LYRWNRLGIE[Ser540Arg]PRSEKLAREL